The following is an entry in ClinVar:

ClinVar aggregate classification (germline): Benign. Review status: criteria provided, multiple submitters, no conflicts (2 of 4 stars). 2 submissions from 2 submitters: Benign (2). Last evaluated 2018-01-13.

Conditions:
Charcot-Marie-Tooth disease type 4H (CMT4H). Also called: CHARCOT-MARIE-TOOTH DISEASE, AUTOSOMAL RECESSIVE, TYPE 4H; CHARCOT-MARIE-TOOTH DISEASE, DEMYELINATING, AUTOSOMAL RECESSIVE, TYPE 4H; CHARCOT-MARIE-TOOTH NEUROPATHY, TYPE 4H; CHARCOT-MARIE-TOOTH DISEASE, DEMYELINATING, TYPE 4H. Identifiers: Orphanet 99954, MedGen C1836336, MONDO:0012250, OMIM 609311.

Allele frequency attached by ClinVar (database versions not stated): 1000 Genomes Project 0.06709; 1000 Genomes Project 30x 0.07136; gnomAD 0.08965 and 0.09014; TOPMed 0.09706.

Submissions (2):

Illumina Laboratory Services, Illumina
Classification: Benign for Charcot-Marie-Tooth disease type 4H. Last evaluated: 2018-01-13. Review status: criteria provided, single submitter. Criteria: ICSL Variant Classification Criteria 13 December 2019. Collection method: clinical testing. Allele origin: germline.
Comment: This variant was observed in the ICSL laboratory as part of a predisposition screen in an ostensibly healthy population. It had not been previously curated by ICSL or reported in the Human Gene Mutation Database (HGMD: prior to June 1st, 2018), and was therefore a candidate for classification through an automated scoring system. Utilizing variant allele frequency, disease prevalence and penetrance estimates, and inheritance mode, an automated score was calculated to assess if this variant is too frequent to cause the disease. Based on the score and internal cut-off values, a variant classified as benign is not then subjected to further curation. The score for this variant resulted in a classification of benign for this disease.

Breakthrough Genomics
Classification: Benign. Review status: criteria provided, single submitter. Criteria: ACMG Guidelines, 2015. Collection method: not provided. Allele origin: germline. Inheritance: Autosomal recessive inheritance. Affected: yes.

NM_001370298.3(FGD4):c.*1723C>T

Gene: FGD4 (FYVE, RhoGEF and PH domain containing 4; plus strand). Cytogenetic location: 12p11.21.
Variant type: single nucleotide variant.
Coding change: c.*1723C>T on transcript NM_001370298.3 (MANE Select); 1723 bases downstream of the stop codon, C replaced by T.
Molecular consequence: 3 prime UTR variant. On other transcripts: intron variant (3).
Genome position (GRCh38, 1-based): chr12:32,642,256, C>T. VCF-style: chr12-32642256-C-T. GRCh37 (hg19) VCF-style: chr12-32795190-C-T.
Other names: c.*1723C>T (NM_001304481.2, NM_001304484.2, NM_001330373.2 and 5 more transcripts); c.2632+1803C>T (NM_001384126.1); c.2221+1803C>T (NM_001384127.1, NM_001384128.1).
Identifiers: ClinVar variation 308322 (VCV000308322.6), dbSNP rs4931030, ClinGen allele CA10640922.